The following is an entry in ClinVar:

NM_002291.3(LAMB1):c.3135C>T (p.Cys1045=)

Gene: LAMB1 (laminin subunit beta 1; minus strand). Cytogenetic location: 7q31.1.
Variant type: single nucleotide variant.
Coding change: c.3135C>T on transcript NM_002291.3 (MANE Select); coding-DNA position 3135, C replaced by T.
Protein change: p.Cys1045=; no amino-acid change (cysteine 1045 retained).
Molecular consequence: synonymous variant.
Genome position (GRCh38, 1-based): chr7:107,952,168, G>A on the plus strand (C>T on the coding strand, the complement: LAMB1 is on the minus strand). VCF-style: chr7-107952168-G-A. GRCh37 (hg19) VCF-style: chr7-107592613-G-A.
Identifiers: ClinVar variation 515868 (VCV000515868.34), dbSNP rs145328837, ClinGen allele CA4435420.
Genomic context (GRCh38, chr7:107,952,168, plus strand): 5'-ACAGTTCTGCCCGATCACATTAGGAAGACACAAGCACTGACCAGTGGCTTTGTCGCACTG[G>A]CAGTCAGAGCCGTTACAGTGCTCTTGCACGGTGCCCAGGTAATTACAGACACACTCTGCA-3'
Protein context (NP_002282.2, residues 1035-1055): TVQEHCNGSD[Cys1045=]QCDKATGQCL

ClinVar aggregate classification (germline): Likely benign. Review status: criteria provided, multiple submitters, no conflicts (2 of 4 stars). 4 submissions from 4 submitters: Likely benign (4). Last evaluated 2024-12-09.

Allele frequency attached by ClinVar (database versions not stated): gnomAD exomes 0.00003 and 0.00009; ExAC 0.00011; gnomAD 0.00028 and 0.00032; ESP Exome Variant Server 0.00031; TOPMed 0.00034.
gnomAD v4.1: 87 of 1,613,384 alleles (0.0054%); highest among the groups gnomAD compares: African/African-American, 0.11%; no homozygotes.

Submissions (4):

Labcorp Genetics (formerly Invitae), Labcorp
Classification: Likely benign. Last evaluated: 2024-12-09. Review status: criteria provided, single submitter. Criteria: Invitae Variant Classification Sherloc (09022015). Collection method: clinical testing. Allele origin: germline.

Women's Health and Genetics/Laboratory Corporation of America, LabCorp
Classification: Likely benign. Last evaluated: 2024-09-16. Review status: criteria provided, single submitter. Criteria: LabCorp Variant Classification Summary - May 2015. Collection method: clinical testing. Allele origin: germline.

CeGaT Center for Human Genetics Tuebingen
Classification: Likely benign. Last evaluated: 2023-12-01. Review status: criteria provided, single submitter. Criteria: CeGaT Center For Human Genetics Tuebingen Variant Classification Criteria Version 2. Collection method: clinical testing. Allele origin: germline. Affected: yes. Observed: 1 variant allele.
Comment: LAMB1: BP4, BP7

GeneDx
Classification: Likely benign. Last evaluated: 2020-01-25. Review status: criteria provided, single submitter. Criteria: GeneDx Variant Classification Process June 2021. Collection method: clinical testing. Allele origin: germline. Affected: yes.